The following is an entry in ClinVar:

NM_194248.3(OTOF):c.3733+39C>T

Gene: OTOF (otoferlin; minus strand). Cytogenetic location: 2p23.3.
Variant type: single nucleotide variant.
Coding change: c.3733+39C>T on transcript NM_194248.3 (MANE Select); 39 bases into the intron after coding-DNA position 3733, C replaced by T.
Molecular consequence: intron variant.
Genome position (GRCh38, 1-based): chr2:26,473,093, G>A on the plus strand (C>T on the coding strand, the complement: OTOF is on the minus strand). VCF-style: chr2-26473093-G-A. GRCh37 (hg19) VCF-style: chr2-26695961-G-A.
Other names: c.3733+39C>T (NM_001287489.2); c.1492+39C>T (NM_194323.3, NM_004802.4); c.1663+39C>T (NM_194322.3).
Identifiers: ClinVar variation 683098 (VCV000683098.1), dbSNP rs113651936, ClinGen allele CA1563455.

ClinVar aggregate classification (germline): Likely benign (1 of 4 stars; one submission).

Allele frequency attached by ClinVar (database versions not stated): gnomAD exomes 0.00123; ExAC 0.00143; ESP Exome Variant Server 0.00440; gnomAD 0.00516 and 0.00546; 1000 Genomes Project 0.00519; TOPMed 0.00580; 1000 Genomes Project 30x 0.00609.
gnomAD v4.1: 1,528 of 1,596,564 alleles (0.096%); highest among the groups gnomAD compares: African/African-American, 1.8%; 15 homozygotes.

Submission:

GeneDx
Classification: Likely benign. Last evaluated: 2018-06-16. Review status: criteria provided, single submitter. Criteria: GeneDx Variant Classification (06012015). Collection method: clinical testing. Allele origin: germline. Affected: yes.
Comment: This variant is considered likely benign or benign based on one or more of the following criteria: it is a conservative change, it occurs at a poorly conserved position in the protein, it is predicted to be benign by multiple in silico algorithms, and/or has population frequency not consistent with disease.